The following is an entry in ClinVar:

NM_017635.5(KMT5B):c.377+4G>T

Gene: KMT5B (lysine methyltransferase 5B; minus strand). Cytogenetic location: 11q13.2.
Variant type: single nucleotide variant.
Coding change: c.377+4G>T on transcript NM_017635.5 (MANE Select); 4 bases into the intron after coding-DNA position 377, G replaced by T.
Molecular consequence: intron variant. On other transcripts: 5 prime UTR variant (1).
Genome position (GRCh38, 1-based): chr11:68,180,128, C>A on the plus strand (G>T on the coding strand, the complement: KMT5B is on the minus strand). VCF-style: chr11-68180128-C-A. GRCh37 (hg19) VCF-style: chr11-67947595-C-A.
Other names: c.-798G>T (NM_001369433.1); c.-286-512G>T (NM_001369430.1); c.-291+4G>T (NM_001300908.2); c.-287+4G>T (NM_001369432.1, NM_001369431.1, NM_001369424.1); c.-501+4G>T (NM_001369428.1); c.-208+4G>T (NM_001300907.1); c.-140+4G>T (NM_001369429.1); c.377+4G>T (NM_001369426.1, NM_001363566.2, NM_001369427.1 and 1 more transcripts); and 2 more.
Identifiers: ClinVar variation 1690842 (VCV001690842.2), dbSNP rs567340978, ClinGen allele CA1980493418.

ClinVar aggregate classification (germline): Uncertain significance (1 of 4 stars; one submission).

Submission:

Laboratorio de Genetica e Diagnostico Molecular, Hospital Israelita Albert Einstein
Classification: Uncertain significance. Last evaluated: 2020-03-26. Review status: criteria provided, single submitter. Criteria: ACMG Guidelines, 2015. Collection method: clinical testing. Allele origin: germline. Affected: yes.
Comment: ACMG classification criteria: PM2